The following is an entry in ClinVar:

NM_080911.3(UNG):c.232A>G (p.Lys78Glu)

Gene: UNG (uracil DNA glycosylase; plus strand). Cytogenetic location: 12q24.11.
Variant type: single nucleotide variant.
Coding change: c.232A>G on transcript NM_080911.3 (MANE Select); coding-DNA position 232, A replaced by G.
Protein change: p.Lys78Glu; replaces lysine 78 with glutamic acid.
Molecular consequence: missense variant.
Genome position (GRCh38, 1-based): chr12:109,098,531, A>G. VCF-style: chr12-109098531-A-G. GRCh37 (hg19) VCF-style: chr12-109536336-A-G.
Other names: c.205A>G, p.Lys69Glu (NM_003362.4); c.232A>G (NM_080911.2); short protein forms K69E, K78E.
Identifiers: ClinVar variation 1001089 (VCV001001089.9), dbSNP rs1158616684, ClinGen allele CA386469726.

ClinVar aggregate classification (germline): Uncertain significance. Review status: criteria provided, multiple submitters, no conflicts (2 of 4 stars). 2 submissions from 2 submitters: Uncertain significance (2). Last evaluated 2025-08-14.

Conditions:
Hyper-IgM syndrome type 5 (HIGM5). Also called: Hyper-IgM Immunodeficiency Syndrome, Type 5. Identifiers: Orphanet 101092, MedGen C1720958, MONDO:0011971, OMIM 608106.

Allele frequency attached by ClinVar (database versions not stated): TOPMed 0.00001.

Submissions (2):

Ambry Genetics
Classification: Uncertain significance. Last evaluated: 2025-08-14. Review status: criteria provided, single submitter. Criteria: Ambry Variant Classification Scheme 2023. Collection method: clinical testing. Allele origin: germline.

Labcorp Genetics (formerly Invitae), Labcorp
Classification: Uncertain significance for Hyper-IgM syndrome type 5. Last evaluated: 2022-03-19. Review status: criteria provided, single submitter. Criteria: Invitae Variant Classification Sherloc (09022015). Collection method: clinical testing. Allele origin: germline.
Comment: In summary, the available evidence is currently insufficient to determine the role of this variant in disease. Therefore, it has been classified as a Variant of Uncertain Significance. Algorithms developed to predict the effect of missense changes on protein structure and function (SIFT, PolyPhen-2, Align-GVGD) all suggest that this variant is likely to be tolerated. ClinVar contains an entry for this variant (Variation ID: 1001089). This variant has not been reported in the literature in individuals affected with UNG-related conditions. This variant is not present in population databases (gnomAD no frequency). This sequence change replaces lysine, which is basic and polar, with glutamic acid, which is acidic and polar, at codon 78 of the UNG protein (p.Lys78Glu).